The following is an entry in ClinVar:

NM_015340.4(LARS2):c.1123+220T>G

Genes: LARS2 (leucyl-tRNA synthetase 2, mitochondrial; plus strand), LARS2-AS1 (LARS2 antisense RNA 1; minus strand). Cytogenetic location: 3p21.31.
Variant type: single nucleotide variant.
Coding change: c.1123+220T>G on transcript NM_015340.4 (MANE Select); 220 bases into the intron after coding-DNA position 1123, T replaced by G.
Molecular consequence: intron variant.
Genome position (GRCh38, 1-based): chr3:45,486,016, T>G. VCF-style: chr3-45486016-T-G. GRCh37 (hg19) VCF-style: chr3-45527508-T-G.
Other names: c.1123+220T>G (NM_001368263.1).
Identifiers: ClinVar variation 669495 (VCV000669495.1), dbSNP rs74801422, ClinGen allele CA73587738.

ClinVar aggregate classification (germline): Benign (1 of 4 stars; one submission).

Allele frequency attached by ClinVar (database versions not stated): gnomAD 0.26829 and 0.27014.
gnomAD v4.1: 41,070 of 151,974 alleles (27%); highest among the groups gnomAD compares: Middle Eastern, 40%; 5,872 homozygotes.

Submission:

GeneDx
Classification: Benign. Last evaluated: 2018-06-14. Review status: criteria provided, single submitter. Criteria: GeneDx Variant Classification (06012015). Collection method: clinical testing. Allele origin: germline. Affected: yes.
Comment: This variant is considered likely benign or benign based on one or more of the following criteria: it is a conservative change, it occurs at a poorly conserved position in the protein, it is predicted to be benign by multiple in silico algorithms, and/or has population frequency not consistent with disease.